The following is an entry in ClinVar:

ClinVar aggregate classification (germline): Uncertain significance (1 of 4 stars; one submission).

Submission:

Labcorp Genetics (formerly Invitae), Labcorp
Classification: Uncertain significance. Last evaluated: 2022-08-27. Review status: criteria provided, single submitter. Criteria: Invitae Variant Classification Sherloc (09022015). Collection method: clinical testing. Allele origin: germline.
Comment: This variant results in a copy number gain of the genomic region encompassing exon(s) 1 of the FRAS1 gene. This region includes the initiator codon of the gene. This copy number gain extends beyond the assayed region for this gene and therefore may encompass additional genes. As the precise location of this event is unknown, it may be in tandem or it may be located elsewhere in the genome. This variant has not been reported in the literature in individuals affected with FRAS1-related conditions. In summary, the available evidence is currently insufficient to determine the role of this variant in disease. Therefore, it has been classified as a Variant of Uncertain Significance.

NC_000004.11:g.(?_78979164)_(78979259_?)dup

Gene: FRAS1 (Fraser extracellular matrix complex subunit 1; plus strand). Cytogenetic location: 4q21.21.
Variant type: Duplication.
Identifiers: ClinVar variation 2426909 (VCV002426909.3).